The following is an entry in ClinVar:

NC_012920.1(MT-CO2):m.7811A>G

Gene: MT-CO2 (mitochondrially encoded cytochrome c oxidase II; plus strand).
Variant type: single nucleotide variant.
Genome position: chrM-7811-A-G.
Identifiers: ClinVar variation 692782 (VCV000692782.1), dbSNP rs1603221152, ClinGen allele CA414793832.

ClinVar aggregate classification (germline): Uncertain significance (1 of 4 stars; one submission).

Conditions:
Leigh syndrome (NULS). Also called: Leigh's necrotizing encephalopathy; Leigh's disease; Leigh Syndrome (mtDNA deletion); Leigh Disease; Subacute necrotizing encephalopathy; Necrotizing encephalopathy infantile subacute of Leigh. Identifiers: Orphanet 506, MedGen C2931891, MONDO:0009723, OMIM 256000.

Submission:

Wong Mito Lab, Molecular and Human Genetics, Baylor College of Medicine
Classification: Uncertain significance for Leigh syndrome. Last evaluated: 2019-10-17. Review status: criteria provided, single submitter. Criteria: Modified ACMG Guidelines (Unpublished). Collection method: clinical testing. Allele origin: germline.
Comment: The NC_012920.1:m.7811A>G (YP_003024029.1:p.Ile76Val) variant in MTCO2 gene is interpretated to be a Uncertain Significance variant based on the modified ACMG guidelines (unpublished). This variant meets the following evidence codes: PP7, BS4